The following is an entry in ClinVar:

NM_178000.3(PTPA):c.-112G>A

Gene: PTPA (protein phosphatase 2 phosphatase activator; plus strand). Cytogenetic location: 9q34.11.
Variant type: single nucleotide variant.
Coding change: c.-112G>A on transcript NM_178000.3 (MANE Select); 112 bases upstream of the start codon, G replaced by A.
Molecular consequence: 5 prime UTR variant.
Genome position (GRCh38, 1-based): chr9:129,111,489, G>A. VCF-style: chr9-129111489-G-A. GRCh37 (hg19) VCF-style: chr9-131873768-G-A.
Other names: c.-112G>A (NM_001271832.2, NM_021131.5, NM_178001.3 and 1 more transcripts).
Identifiers: ClinVar variation 5041141 (VCV005041141.1).

ClinVar aggregate classification (germline): Likely benign (1 of 4 stars; one submission).

Submission:

CeGaT Center for Human Genetics Tuebingen
Classification: Likely benign. Last evaluated: 2026-09-01. Review status: criteria provided, single submitter. Criteria: CeGaT Center For Human Genetics Tuebingen Variant Classification Criteria Version 2. Collection method: clinical testing. Allele origin: germline. Affected: yes. Observed: 1 variant allele.
Comment: PTPA: BP4, BP7